The following is an entry in ClinVar:

ClinVar aggregate classification (germline): Uncertain significance (1 of 4 stars; one submission).

Allele frequency attached by ClinVar (database versions not stated): TOPMed below 0.00001.

Submission:

Labcorp Genetics (formerly Invitae), Labcorp
Classification: Uncertain significance. Last evaluated: 2022-11-03. Review status: criteria provided, single submitter. Criteria: Invitae Variant Classification Sherloc (09022015). Collection method: clinical testing. Allele origin: germline.
Comment: This sequence change affects codon 716 of the KIF2A mRNA. It is a 'silent' change, meaning that it does not change the encoded amino acid sequence of the KIF2A protein. It affects a nucleotide within the consensus splice site. This variant is not present in population databases (gnomAD no frequency). In summary, the available evidence is currently insufficient to determine the role of this variant in disease. Therefore, it has been classified as a Variant of Uncertain Significance. Algorithms developed to predict the effect of sequence changes on RNA splicing suggest that this variant is not likely to affect RNA splicing. This variant has not been reported in the literature in individuals affected with KIF2A-related conditions.

NM_001098511.3(KIF2A):c.2148G>A (p.Arg716=)

Gene: KIF2A (kinesin family member 2A; plus strand). Cytogenetic location: 5q12.1.
Variant type: single nucleotide variant.
Coding change: c.2148G>A on transcript NM_001098511.3 (MANE Select); coding-DNA position 2148, G replaced by A.
Protein change: p.Arg716=; no amino-acid change (arginine 716 retained).
Molecular consequence: synonymous variant.
Genome position (GRCh38, 1-based): chr5:62,381,252, G>A. VCF-style: chr5-62381252-G-A. GRCh37 (hg19) VCF-style: chr5-61677079-G-A.
Other names: c.1953G>A, p.Arg651= (NM_001243952.2); c.1977G>A, p.Arg659= (NM_001243953.2); c.2034G>A, p.Arg678= (NM_004520.5).
Identifiers: ClinVar variation 2803873 (VCV002803873.3), dbSNP rs1741760357, ClinGen allele CA444469740.
Genomic context (GRCh38, chr5:62,381,252, plus strand): 5'-ATATGCTACACAACTTGAAGCTATTCTTGAGCAAAAAATAGACATTTTAACTGAACTGCG[G>A]GGTAATTCTTTTTCCATTTTAATGTTTGAAATCTGATTGGTATTGGTATGTATATTGGTG-3'
Protein context (NP_001091981.1, residues 706-726): EQKIDILTEL[Arg716=]DKVKSFRAAL